The following is an entry in ClinVar:

NM_001128148.3(TFRC):c.395C>T (p.Ser132Leu)

Gene: TFRC (transferrin receptor; minus strand). Cytogenetic location: 3q29.
Variant type: single nucleotide variant.
Coding change: c.395C>T on transcript NM_001128148.3 (MANE Select); coding-DNA position 395, C replaced by T.
Protein change: p.Ser132Leu; replaces serine 132 with leucine.
Molecular consequence: missense variant. On other transcripts: intron variant (1).
Genome position (GRCh38, 1-based): chr3:196,073,969, G>A on the plus strand (C>T on the coding strand, the complement: TFRC is on the minus strand). VCF-style: chr3-196073969-G-A. GRCh37 (hg19) VCF-style: chr3-195800840-G-A.
Other names: c.152C>T, p.Ser51Leu (NM_001313965.2); c.395C>T, p.Ser132Leu (NM_003234.4); c.-412-1817C>T (NM_001313966.2); c.395C>T (NM_003234.2); short protein forms S51L, S132L.
Identifiers: ClinVar variation 2984699 (VCV002984699.4), dbSNP rs370784605, ClinGen allele CA2778320.
Genomic context (GRCh38, chr3:196,073,969, plus strand): 5'-TGCACAGCAGCTGGCACTCACTTGATGGTGCCGGTGAAGTCTGTGCTGTCCAGTTTCTCC[G>A]ACAACTTTCTCTTCAGGTCATCCCAATATAAGCGACGTGCTGCAGGGAAGTCCTCTCCTG-3'
Protein context (NP_001121620.1, residues 122-142): LYWDDLKRKL[Ser132Leu]EKLDSTDFTG

ClinVar aggregate classification (germline): Uncertain significance. Review status: criteria provided, multiple submitters, no conflicts (2 of 4 stars). 2 submissions from 2 submitters: Uncertain significance (2). Last evaluated 2025-11-03.

Conditions:
Inborn genetic diseases. Identifiers: MedGen C0950123, MeSH D030342.

Allele frequency attached by ClinVar (database versions not stated): ExAC 0.00002; TOPMed 0.00006; gnomAD 0.00007; ESP Exome Variant Server 0.00008; gnomAD exomes 0.00004.

Submissions (2):

Labcorp Genetics (formerly Invitae), Labcorp
Classification: Uncertain significance. Last evaluated: 2025-11-03. Review status: criteria provided, single submitter. Criteria: Invitae Variant Classification Sherloc (09022015). Collection method: clinical testing. Allele origin: germline.
Comment: This sequence change replaces serine, which is neutral and polar, with leucine, which is neutral and non-polar, at codon 132 of the TFRC protein (p.Ser132Leu). This variant is present in population databases (rs370784605, gnomAD 0.01%). This variant has not been reported in the literature in individuals affected with TFRC-related conditions. ClinVar contains an entry for this variant (Variation ID: 2984699). An algorithm developed to predict the effect of missense changes on protein structure and function (PolyPhen-2) suggests that this variant is likely to be tolerated. In summary, the available evidence is currently insufficient to determine the role of this variant in disease. Therefore, it has been classified as a Variant of Uncertain Significance.

Ambry Genetics
Classification: Uncertain significance for Inborn genetic diseases. Last evaluated: 2024-06-16. Review status: criteria provided, single submitter. Criteria: Ambry Variant Classification Scheme 2023. Collection method: clinical testing. Allele origin: germline.